The following is an entry in ClinVar:

NM_000330.4(RS1):c.164C>A (p.Thr55Asn)

Gene: RS1 (retinoschisin 1; minus strand). Cytogenetic location: Xp22.13.
Variant type: single nucleotide variant.
Coding change: c.164C>A on transcript NM_000330.4 (MANE Select); coding-DNA position 164, C replaced by A.
Protein change: p.Thr55Asn; replaces threonine 55 with asparagine.
Molecular consequence: missense variant.
Genome position (GRCh38, 1-based): chrX:18,656,673, G>T on the plus strand (C>A on the coding strand, the complement: RS1 is on the minus strand). VCF-style: chrX-18656673-G-T. GRCh37 (hg19) VCF-style: chrX-18674793-G-T.
Other names: short protein forms T55N.
Identifiers: ClinVar variation 4838946 (VCV004838946.1).

ClinVar aggregate classification (germline): Uncertain significance (1 of 4 stars; one submission).

Conditions:
Inborn genetic diseases. Identifiers: MedGen C0950123, MeSH D030342.

gnomAD v4.1: 11 of 1,208,703 alleles (0.00091%); highest among the groups gnomAD compares: Non-Finnish European, 0.0011%; no homozygotes.

Submission:

Ambry Genetics
Classification: Uncertain significance for Inborn genetic diseases. Last evaluated: 2025-12-31. Review status: criteria provided, single submitter. Criteria: Ambry Variant Classification Scheme 2023. Collection method: clinical testing. Allele origin: germline.
Comment: The c.164C>A (p.T55N) alteration is located in exon 3 (coding exon 3) of the RS1 gene. This alteration results from a C to A substitution at nucleotide position 164, causing the threonine (T) at amino acid position 55 to be replaced by an asparagine (N). Based on data from gnomAD, the A allele has an overall frequency of 0.001% (2/183456) total alleles studied. The highest observed frequency was 0.022% (1/4531) of Other alleles. Based on insufficient or conflicting evidence, the clinical significance of this alteration remains unclear.